The following is an entry in ClinVar:

ClinVar aggregate classification (germline): Uncertain significance (1 of 4 stars; one submission).

Conditions:
RASopathy. Also called: Noonan spectrum disorder; rasopathies. Identifiers: Orphanet 536391, MedGen C5555857, MONDO:0021060.

Allele frequency attached by ClinVar (database versions not stated): gnomAD exomes below 0.00001.

Submission:

Labcorp Genetics (formerly Invitae), Labcorp
Classification: Uncertain significance for RASopathy. Last evaluated: 2022-06-27. Review status: criteria provided, single submitter. Criteria: Invitae Variant Classification Sherloc (09022015). Collection method: clinical testing. Allele origin: germline.
Comment: In summary, the available evidence is currently insufficient to determine the role of this variant in disease. Therefore, it has been classified as a Variant of Uncertain Significance. Advanced modeling of protein sequence and biophysical properties (such as structural, functional, and spatial information, amino acid conservation, physicochemical variation, residue mobility, and thermodynamic stability) performed at Invitae indicates that this missense variant is not expected to disrupt MAP2K2 protein function. This variant has not been reported in the literature in individuals affected with MAP2K2-related conditions. This variant is not present in population databases (gnomAD no frequency). This sequence change replaces isoleucine, which is neutral and non-polar, with leucine, which is neutral and non-polar, at codon 351 of the MAP2K2 protein (p.Ile351Leu).

NM_030662.4(MAP2K2):c.1051A>C (p.Ile351Leu)

Gene: MAP2K2 (mitogen-activated protein kinase kinase 2; minus strand). Cytogenetic location: 19p13.3.
Variant type: single nucleotide variant.
Coding change: c.1051A>C on transcript NM_030662.4 (MANE Select); coding-DNA position 1051, A replaced by C.
Protein change: p.Ile351Leu; replaces isoleucine 351 with leucine.
Molecular consequence: missense variant.
Genome position (GRCh38, 1-based): chr19:4,094,494, T>G on the plus strand (A>C on the coding strand, the complement: MAP2K2 is on the minus strand). VCF-style: chr19-4094494-T-G. GRCh37 (hg19) VCF-style: chr19-4094492-T-G.
Other names: short protein forms I351L.
Identifiers: ClinVar variation 2077104 (VCV002077104.4), dbSNP rs2040886518, ClinGen allele CA403382555.